The following is an entry in ClinVar:

ClinVar aggregate classification (germline): Likely benign. Review status: criteria provided, multiple submitters, no conflicts (2 of 4 stars). 2 submissions from 2 submitters: Likely benign (2). Last evaluated 2026-02-03.

Conditions:
Long QT syndrome (LQTS). Identifiers: MedGen C0023976, MeSH D008133, MONDO:0002442. Disease mechanism: loss of function. Inheritance: Various modes of inheritance.
Long QT syndrome 1 (LQT1). Identifiers: Orphanet 101016, Orphanet 768, MedGen C4551647, MONDO:0100316, OMIM 192500, MONDO:0008646.

Allele frequency attached by ClinVar (database versions not stated): TOPMed below 0.00001; gnomAD 0.00001 and 0.00002; ExAC 0.00004; 1000 Genomes Project 30x 0.00016; 1000 Genomes Project 0.00020.
gnomAD v4.1: 34 of 1,613,576 alleles (0.0021%); highest among the groups gnomAD compares: South Asian, 0.025%; 1 homozygote.

Submissions (2):

Labcorp Genetics (formerly Invitae), Labcorp
Classification: Likely benign for Long QT syndrome. Last evaluated: 2026-02-03. Review status: criteria provided, single submitter. Criteria: Invitae Variant Classification Sherloc (09022015). Collection method: clinical testing. Allele origin: germline.

Victorian Clinical Genetics Services, Murdoch Childrens Research Institute
Classification: Likely benign for Long QT syndrome 1. Last evaluated: 2021-05-06. Review status: criteria provided, single submitter. Criteria: ACMG Guidelines, 2015. Collection method: clinical testing. Allele origin: germline.
Comment: Based on the classification scheme VCGS_Germline_v1.3.4, this variant is classified as likely benign. Following criteria are met: 0103 - Dominant negative, loss of function and gain of function are known mechanisms of disease in this gene. Gain of function variants result exclusively in Short QT syndrome (MIM#609621), while dominant negative and loss of function variants can cause Long QT syndrome (LQTS, MIM#192500), atrial fibrillation (MIM#607554) and Jervell and Lange-Nielsen syndrome (JLNS, MIM#220400) (OMIM, PMIDs: 19632626, 28438721). (I) 0108 - This gene is known to be associated with both recessive and dominant disease. JLNS is characterized by congenital, bilateral deafness and variable degrees of QT prolongation, and is the only condition caused by biallelic variants(PMID: 28438721). (I) 0112 - The condition associated with this gene has incomplete penetrance (PMID: 20301308, OMIM). (I) 0212 - Non-canonical splice site variant without proven consequence on splicing (no functional evidence available). (SP) 0251 - This variant is heterozygous. (I) 0302 - Variant is present in gnomAD (v2) <0.001 for a dominant condition (14 heterozygotes, 0 homozygotes). (SP) 0311 - An alternative nucleotide change at the same non-canonical splice site is present in gnomAD (v2) (1 heterozygote, 0 homozygotes). (SB) 0506 - Abnormal splicing is not predicted and nucleotide is poorly conserved. (SB) 0705 - No comparable non-canonical splice site variants have previous evidence for pathogenicity. (I) 0806 - This variant has moderate previous evidence of being benign in unrelated individuals. The c.1251+9C>A variant has been classified once as likely benign by a clinical diagnostic laboratory (ClinVar). (SB) 0905 - No published segregation evidence has been identified for this variant. (I) 1007 - No published functional evidence has been identified for this variant. (I) 1208 - Inheritance information for this variant is not currently available in this individual. (I) Legend: (SP) - Supporting pathogenic, (I) - Information, (SB) - Supporting benign

Literature cited by the submitters: PubMed 19632626 (cited by Victorian Clinical Genetics Services, Murdoch Childrens Research Institute); PubMed 20301308 (cited by Victorian Clinical Genetics Services, Murdoch Childrens Research Institute); PubMed 28438721 (cited by Victorian Clinical Genetics Services, Murdoch Childrens Research Institute).

NM_000218.3(KCNQ1):c.1251+9C>A

Gene: KCNQ1 (potassium voltage-gated channel subfamily Q member 1; plus strand). Cytogenetic location: 11p15.5.
Variant type: single nucleotide variant.
Coding change: c.1251+9C>A on transcript NM_000218.3 (MANE Select); 9 bases into the intron after coding-DNA position 1251, C replaced by A.
Molecular consequence: intron variant.
Genome position (GRCh38, 1-based): chr11:2,587,701, C>A. VCF-style: chr11-2587701-C-A. GRCh37 (hg19) VCF-style: chr11-2608931-C-A.
Other names: c.981+9C>A (NM_001406837.1); c.1155+9C>A (NM_001406836.1); c.711+9C>A (NM_001406838.1); c.870+9C>A (NM_181798.2).
Identifiers: ClinVar variation 704244 (VCV000704244.13), dbSNP rs373467697, ClinGen allele CA028089.